The following is an entry in ClinVar:

ClinVar aggregate classification (germline): Conflicting classifications of pathogenicity. Review status: criteria provided, conflicting classifications (1 of 4 stars). 8 submissions from 8 submitters: Pathogenic (1); Uncertain significance (2); Likely benign (5). Last evaluated 2026-03-09.

Conditions:
OTOF-related disorder. Also called: OTOF-related condition.
Autosomal recessive nonsyndromic hearing loss 9. Also called: Deafness, autosomal recessive 9; AUDITORY NEUROPATHY, AUTOSOMAL RECESSIVE, 1, TEMPERATURE-SENSITIVE; NEUROSENSORY NONSYNDROMIC RECESSIVE DEAFNESS 9; OTOF-Related Hearing Loss. Identifiers: Orphanet 90636, MedGen C1832828, MONDO:0010986, OMIM 601071.

Allele frequency attached by ClinVar (database versions not stated): TOPMed 0.00072; 1000 Genomes Project 30x 0.00078; ESP Exome Variant Server 0.00085; gnomAD exomes 0.00088; 1000 Genomes Project 0.00100; gnomAD 0.00143; ExAC 0.00156.
gnomAD v4.1: 1,656 of 1,600,288 alleles (0.1%); highest among the groups gnomAD compares: Middle Eastern, 0.55%; 4 homozygotes.

Submissions (8):

PreventionGenetics, part of Exact Sciences
Classification: Uncertain significance for OTOF-related condition. Last evaluated: 2026-03-09. Review status: criteria provided, single submitter. Criteria: ACMG Guidelines, 2015. Collection method: clinical testing. Allele origin: germline.
Comment: The OTOF c.2374C>T variant is predicted to result in the amino acid substitution p.Arg792Trp. This variant has been reported along with a premature termination variant and two other rare missense variants in a patient with nonsyndromic hearing loss (Table S3, reported as NM_004802:c.133C>T, Sloan-Heggen et al. 2016. PubMed ID: 26969326) and was also reported with and without a second potentially causative variant in two additional patients with hearing loss (Morgan et al. 2018. PubMed ID: 30622556; Tlili et al. 2024. PubMed ID: 38844983). This variant is reported in 0.14% of alleles in individuals of European (Non-Finnish) descent in gnomAD. At this time, the clinical significance of this variant is uncertain due to the absence of conclusive functional and genetic evidence.

Women's Health and Genetics/Laboratory Corporation of America, LabCorp
Classification: Likely benign. Last evaluated: 2026-02-23. Review status: criteria provided, single submitter. Criteria: LabCorp Variant Classification Summary - May 2015. Collection method: clinical testing. Allele origin: germline.
Comment: Variant summary: OTOF c.2374C>T (p.Arg792Trp) results in a non-conservative amino acid change in the encoded protein sequence. Algorithms developed to predict the effect of missense changes on protein structure and function all suggest that this variant is likely to be disruptive. The variant allele was found at a frequency of 0.00088 in 226676 control chromosomes, predominantly at a frequency of 0.0013 within the Non-Finnish European subpopulation in the gnomAD database. The observed variant frequency within Non-Finnish European control individuals in the gnomAD database exceeds the estimated maximal expected allele frequency for disease-causing variants in OTOF. c.2374C>T has been observed in individuals affected with Nonsyndromic Hearing Loss And Deafness without strong evidence for causality (Sloan-Heggen_2016, Tlili_2024). These reports do not provide unequivocal conclusions about association of the variant with Nonsyndromic Hearing Loss And Deafness, Type 9. To our knowledge, no experimental evidence demonstrating an impact on protein function has been reported. The following publications have been ascertained in the context of this evaluation (PMID: 26969326, 38844983). ClinVar contains an entry for this variant (Variation ID: 164864). Based on the evidence outlined above, the variant was classified as likely benign.

Labcorp Genetics (formerly Invitae), Labcorp
Classification: Likely benign. Last evaluated: 2026-01-28. Review status: criteria provided, single submitter. Criteria: Invitae Variant Classification Sherloc (09022015). Collection method: clinical testing. Allele origin: germline.

Laboratory of Prof. Karen Avraham, Tel Aviv University
Classification: Pathogenic for Autosomal recessive nonsyndromic hearing loss 9. Last evaluated: 2025-12-30. Review status: criteria provided, single submitter. Criteria: ACMG Guidelines, 2015. Collection method: research. Allele origin: germline. Inheritance: Autosomal recessive inheritance. Affected: yes. Observed: 1 variant allele.
Comment: The OTOF c.2374C>T:p.(Arg792Trp) heterozygous variant was classified as pathogenic by Deafness Variation Database based on PMID: 26969326, 30622556, 38844983.

Blueprint Genetics
Classification: Likely benign. Last evaluated: 2024-10-16. Review status: criteria provided, single submitter. Criteria: ACMG Guidelines, 2015. Collection method: clinical testing. Allele origin: germline.

GeneDx
Classification: Likely benign. Last evaluated: 2020-02-04. Review status: criteria provided, single submitter. Criteria: GeneDx Variant Classification Process June 2021. Collection method: clinical testing. Allele origin: germline. Affected: yes.
Comment: This variant is associated with the following publications: (PMID: 26969326, 30622556)

Illumina Laboratory Services, Illumina
Classification: Uncertain significance for Autosomal recessive nonsyndromic hearing loss 9. Last evaluated: 2018-01-12. Review status: criteria provided, single submitter. Criteria: ICSL Variant Classification Criteria 13 December 2019. Collection method: clinical testing. Allele origin: germline.

Laboratory for Molecular Medicine, Mass General Brigham Personalized Medicine
Classification: Likely benign. Last evaluated: 2015-04-24. Review status: criteria provided, single submitter. Criteria: LMM Criteria. Collection method: clinical testing. Allele origin: germline. Observed: 5 variant alleles.
Comment: p.Arg792Trp in exon 20 of OTOF: This variant is not expected to have clinical si gnificance because it has been identified in 0.4% (7/1598) of Finnish chromosome s and in 0.2% (65/28842) of European chromosomes by the Exome Aggregation Consor tium (ExAC; dbSNP rs148532589).

Literature cited by the submitters: PubMed 26969326 (cited by Women's Health and Genetics/Laboratory Corporation of America, LabCorp and Laboratory of Prof. Karen Avraham, Tel Aviv University); PubMed 38844983 (cited by Women's Health and Genetics/Laboratory Corporation of America, LabCorp and Laboratory of Prof. Karen Avraham, Tel Aviv University); PubMed 30622556 (cited by Laboratory of Prof. Karen Avraham, Tel Aviv University).

NM_194248.3(OTOF):c.2374C>T (p.Arg792Trp)

Gene: OTOF (otoferlin; minus strand). Cytogenetic location: 2p23.3.
Variant type: single nucleotide variant.
Coding change: c.2374C>T on transcript NM_194248.3 (MANE Select); coding-DNA position 2374, C replaced by T.
Protein change: p.Arg792Trp; replaces arginine 792 with tryptophan.
Molecular consequence: missense variant.
Genome position (GRCh38, 1-based): chr2:26,477,448, G>A on the plus strand (C>T on the coding strand, the complement: OTOF is on the minus strand). VCF-style: chr2-26477448-G-A. GRCh37 (hg19) VCF-style: chr2-26700316-G-A.
Other names: DFNB9; c.2374C>T, p.Arg792Trp (NM_001287489.2); c.133C>T, p.Arg45Trp (NM_004802.4, NM_194323.3); c.304C>T, p.Arg102Trp (NM_194322.3); short protein forms R792W, R102W, R45W.
Identifiers: ClinVar variation 164864 (VCV000164864.22), dbSNP rs148532589, ClinGen allele CA177552.
Genomic context (GRCh38, chr2:26,477,448, plus strand): 5'-AGCCCCCGCCGTCCAGTTGCGTCCTCACCAGCTCCCTCATGCAGGACTTGAGGCGCTCCC[G>A]GTCAAGCCTGGTGCGGGATGAGTGGCCCTGGTCCTTGTCAGCGAGGGAGAGGAAGCGGCT-3'
Protein context (NP_919224.1, residues 782-802): QGHSSRTRLD[Arg792Trp]ERLKSCMREL